The following is an entry in ClinVar:

NM_133433.4(NIPBL):c.5044C>G (p.Arg1682Gly)

Gene: NIPBL (NIPBL cohesin loading factor; plus strand). Cytogenetic location: 5p13.2.
Variant type: single nucleotide variant.
Coding change: c.5044C>G on transcript NM_133433.4 (MANE Select); coding-DNA position 5044, C replaced by G.
Protein change: p.Arg1682Gly; replaces arginine 1682 with glycine.
Molecular consequence: missense variant.
Genome position (GRCh38, 1-based): chr5:37,020,492, C>G. VCF-style: chr5-37020492-C-G. GRCh37 (hg19) VCF-style: chr5-37020594-C-G.
Other names: c.5044C>G, p.Arg1682Gly (NM_015384.5); short protein forms R1682G.
Identifiers: ClinVar variation 2815942 (VCV002815942.3), dbSNP rs797045769, ClinGen allele CA359486415.

ClinVar aggregate classification (germline): Uncertain significance (1 of 4 stars; one submission).

Conditions:
Cornelia de Lange syndrome 1 (CDLS1). Also called: TYPUS DEGENERATIVUS AMSTELODAMENSIS; Brachmann de Lange syndrome; NIPBL-Related Cornelia de Lange Syndrome. Identifiers: Orphanet 199, MedGen C4551851, MONDO:0007387, OMIM 122470.

Submission:

Labcorp Genetics (formerly Invitae), Labcorp
Classification: Uncertain significance for Cornelia de Lange syndrome 1. Last evaluated: 2022-12-01. Review status: criteria provided, single submitter. Criteria: Invitae Variant Classification Sherloc (09022015). Collection method: clinical testing. Allele origin: germline.
Comment: In summary, the available evidence is currently insufficient to determine the role of this variant in disease. Therefore, it has been classified as a Variant of Uncertain Significance. Advanced modeling of protein sequence and biophysical properties (such as structural, functional, and spatial information, amino acid conservation, physicochemical variation, residue mobility, and thermodynamic stability) has been performed at Invitae for this missense variant, however the output from this modeling did not meet the statistical confidence thresholds required to predict the impact of this variant on NIPBL protein function. This variant has not been reported in the literature in individuals affected with NIPBL-related conditions. This variant is not present in population databases (gnomAD no frequency). This sequence change replaces arginine, which is basic and polar, with glycine, which is neutral and non-polar, at codon 1682 of the NIPBL protein (p.Arg1682Gly).